The following is an entry in ClinVar:

NM_001365536.1(SCN9A):c.2922C>A (p.Asp974Glu)

Genes: SCN1A-AS1 (SCN1A and SCN9A antisense RNA 1; plus strand), SCN9A (sodium voltage-gated channel alpha subunit 9; minus strand). Cytogenetic location: 2q24.3.
Variant type: single nucleotide variant.
Coding change: c.2922C>A on transcript NM_001365536.1 (MANE Select); coding-DNA position 2922, C replaced by A.
Protein change: p.Asp974Glu; replaces aspartic acid 974 with glutamic acid.
Molecular consequence: missense variant.
Genome position (GRCh38, 1-based): chr2:166,272,828, G>T on the plus strand (C>A on the coding strand, the complement: SCN9A is on the minus strand). VCF-style: chr2-166272828-G-T. GRCh37 (hg19) VCF-style: chr2-167129338-G-T.
Other names: c.2889C>A, p.Asp963Glu (NM_002977.4); short protein forms D963E, D974E.
Identifiers: ClinVar variation 572991 (VCV000572991.9), dbSNP rs368691761, ClinGen allele CA59791845.

ClinVar aggregate classification (germline): Uncertain significance (1 of 4 stars; one submission).

Conditions:
Generalized epilepsy with febrile seizures plus, type 7 (GEFSP7). Also called: GEFS+, TYPE 7. Identifiers: Orphanet 36387, MedGen C2751778, MONDO:0013470, OMIM 613863.
Neuropathy, hereditary sensory and autonomic, type 2A (HSAN2A). Also called: MORVAN DISEASE; NEUROPATHY, CONGENITAL SENSORY; NEUROPATHY, HEREDITARY SENSORY RADICULAR, AUTOSOMAL RECESSIVE; NEUROPATHY, HEREDITARY SENSORY, TYPE IIA; NEUROPATHY, PROGRESSIVE SENSORY, OF CHILDREN; WNK1-Related HSAN2 (HSAN2A). Identifiers: Orphanet 970, MedGen C2752089, MONDO:0024309, OMIM 201300.

Allele frequency attached by ClinVar (database versions not stated): TOPMed below 0.00001; gnomAD 0.00003; ESP Exome Variant Server 0.00008.
gnomAD v4.1: 12 of 1,516,148 alleles (0.00079%); highest among the groups gnomAD compares: Non-Finnish European, 0.000088%; no homozygotes.

Submission:

Labcorp Genetics (formerly Invitae), Labcorp
Classification: Uncertain significance for Neuropathy, hereditary sensory and autonomic, type 2A; Generalized epilepsy with febrile seizures plus, type 7. Last evaluated: 2025-09-24. Review status: criteria provided, single submitter. Criteria: Invitae Variant Classification Sherloc (09022015). Collection method: clinical testing. Allele origin: germline.
Comment: This sequence change replaces aspartic acid, which is acidic and polar, with glutamic acid, which is acidic and polar, at codon 963 of the SCN9A protein (p.Asp963Glu). This variant is present in population databases (rs368691761, gnomAD 0.03%). This variant has not been reported in the literature in individuals affected with SCN9A-related conditions. ClinVar contains an entry for this variant (Variation ID: 572991). Invitae Evidence Modeling of protein sequence and biophysical properties (such as structural, functional, and spatial information, amino acid conservation, physicochemical variation, residue mobility, and thermodynamic stability) indicates that this missense variant is not expected to disrupt SCN9A protein function with a negative predictive value of 95%. In summary, the available evidence is currently insufficient to determine the role of this variant in disease. Therefore, it has been classified as a Variant of Uncertain Significance.